The following is an entry in ClinVar:

ClinVar aggregate classification (germline): Uncertain significance (1 of 4 stars; one submission).

Submission:

GeneDx
Classification: Uncertain significance. Last evaluated: 2024-02-29. Review status: criteria provided, single submitter. Criteria: GeneDx Variant Classification Process June 2021. Collection method: clinical testing. Allele origin: germline. Affected: yes.
Comment: Not observed at significant frequency in large population cohorts (gnomAD); In silico analysis supports that this missense variant has a deleterious effect on protein structure/function; Has not been previously published as pathogenic or benign to our knowledge

NM_004187.5(KDM5C):c.1622C>G (p.Ala541Gly)

Gene: KDM5C (lysine demethylase 5C; minus strand). Cytogenetic location: Xp11.22.
Variant type: single nucleotide variant.
Coding change: c.1622C>G on transcript NM_004187.5 (MANE Select); coding-DNA position 1622, C replaced by G.
Protein change: p.Ala541Gly; replaces alanine 541 with glycine.
Molecular consequence: missense variant. On other transcripts: non-coding transcript variant (3).
Genome position (GRCh38, 1-based): chrX:53,210,538, G>C on the plus strand (C>G on the coding strand, the complement: KDM5C is on the minus strand). VCF-style: chrX-53210538-G-C. GRCh37 (hg19) VCF-style: chrX-53239720-G-C.
Other names: c.1421C>G, p.Ala474Gly (NM_001146702.2); c.1619C>G, p.Ala540Gly (NM_001282622.3, NM_001353979.2, NM_001353982.2); c.1622C>G, p.Ala541Gly (NM_001353978.3, NM_001353981.2, NM_001353984.2); short protein forms A474G, A540G, A541G.
Identifiers: ClinVar variation 3373294 (VCV003373294.1).